The following is an entry in ClinVar:

ClinVar aggregate classification (germline): Uncertain significance. Review status: criteria provided, multiple submitters, no conflicts (2 of 4 stars). 2 submissions from 2 submitters: Uncertain significance (2). Last evaluated 2023-06-01.

Conditions:
Periventricular nodular heterotopia 7 (PVNH7). Identifiers: MedGen C4310669, MONDO:0014966, OMIM 617201.

Submissions (2):

3billion
Classification: Uncertain significance for Periventricular nodular heterotopia 7. Last evaluated: 2023-06-01. Review status: criteria provided, single submitter. Criteria: ACMG Guidelines, 2015. Collection method: clinical testing. Allele origin: germline. Affected: yes.
Comment: The variant is not observed in the gnomAD v2.1.1 dataset. Predicted Consequence/Location: Missense changes are a common disease-causing mechanism. Therefore, this variant is classified as VUS according to the recommendation of ACMG/AMP guideline.

Institute for Genomic Medicine (IGM) Clinical Laboratory, Nationwide Children's Hospital
Classification: Uncertain significance for Periventricular nodular heterotopia 7. Last evaluated: 2018-04-25. Review status: criteria provided, single submitter. Criteria: ACMG Guidelines, 2015. Collection method: clinical testing. Allele origin: germline. Affected: yes.
Comment: [ACMG/AMP: PM1, PM2, PP3] This alteration is located in a mutational hotspot and/or critical and well-established functional domain [PM1], is absent from or rarely observed in large-scale population databases [PM2], is predicted to be damaging by multiple functional prediction tools [PP3].

NM_001144967.3(NEDD4L):c.2063C>G (p.Thr688Arg)

Gene: NEDD4L (NEDD4 like E3 ubiquitin protein ligase; plus strand). Cytogenetic location: 18q21.31.
Variant type: single nucleotide variant.
Coding change: c.2063C>G on transcript NM_001144967.3 (MANE Select); coding-DNA position 2063, C replaced by G.
Protein change: p.Thr688Arg; replaces threonine 688 with arginine.
Molecular consequence: missense variant.
Genome position (GRCh38, 1-based): chr18:58,366,228, C>G. VCF-style: chr18-58366228-C-G. GRCh37 (hg19) VCF-style: chr18-56033460-C-G.
Other names: c.1700C>G, p.Thr567Arg (NM_001144964.1, NM_001144965.2, NM_001144966.3); c.2039C>G, p.Thr680Arg (NM_001144968.2); c.1979C>G, p.Thr660Arg (NM_001144969.2); c.1640C>G, p.Thr547Arg (NM_001144970.3, NM_001144971.2); c.1871C>G, p.Thr624Arg (NM_001243960.2); c.2003C>G, p.Thr668Arg (NM_015277.6); short protein forms T547R, T567R, T624R, T660R, T668R, T680R, T688R.
Identifiers: ClinVar variation 973251 (VCV000973251.6), dbSNP rs1160840546, ClinGen allele CA402548611.